The following is an entry in ClinVar:

ClinVar aggregate classification (germline): Uncertain significance (1 of 4 stars; one submission).

Allele frequency attached by ClinVar (database versions not stated): TOPMed below 0.00001.

Submission:

Labcorp Genetics (formerly Invitae), Labcorp
Classification: Uncertain significance. Last evaluated: 2023-08-02. Review status: criteria provided, single submitter. Criteria: Invitae Variant Classification Sherloc (09022015). Collection method: clinical testing. Allele origin: germline.
Comment: In summary, the available evidence is currently insufficient to determine the role of this variant in disease. Therefore, it has been classified as a Variant of Uncertain Significance. An algorithm developed to predict the effect of missense changes on protein structure and function (PolyPhen-2) suggests that this variant is likely to be tolerated. This variant has not been reported in the literature in individuals affected with ADNP-related conditions. This variant is not present in population databases (gnomAD no frequency). This sequence change replaces glycine, which is neutral and non-polar, with arginine, which is basic and polar, at codon 379 of the ADNP protein (p.Gly379Arg).

NM_001282531.3(ADNP):c.1135G>A (p.Gly379Arg)

Gene: ADNP (activity dependent neuroprotector homeobox; minus strand). Cytogenetic location: 20q13.13.
Variant type: single nucleotide variant.
Coding change: c.1135G>A on transcript NM_001282531.3 (MANE Select); coding-DNA position 1135, G replaced by A.
Protein change: p.Gly379Arg; replaces glycine 379 with arginine.
Molecular consequence: missense variant.
Genome position (GRCh38, 1-based): chr20:50,893,579, C>T on the plus strand (G>A on the coding strand, the complement: ADNP is on the minus strand). VCF-style: chr20-50893579-C-T. GRCh37 (hg19) VCF-style: chr20-49510116-C-T.
Other names: c.1135G>A, p.Gly379Arg (NM_001282532.2, NM_001347511.2, NM_015339.5 and 1 more transcripts); short protein forms G379R.
Identifiers: ClinVar variation 2868187 (VCV002868187.3), dbSNP rs1981047394, ClinGen allele CA408974516.